The following is an entry in ClinVar:

ClinVar aggregate classification (germline): Uncertain significance (1 of 4 stars; one submission).

Conditions:
Familial hemophagocytic lymphohistiocytosis 2 (FHL2). Also called: PRF1-Related Familial Hemophagocytic Lymphohistiocytosis (PRF1-fHLH). Identifiers: Orphanet 540, MedGen C1863727, MONDO:0011337, OMIM 603553.

Allele frequency attached by ClinVar (database versions not stated): TOPMed below 0.00001.
gnomAD v4.1: 1 of 1,612,622 alleles (0.000062%); highest among the groups gnomAD compares: Non-Finnish European, 0.000085%; no homozygotes.

Submission:

Labcorp Genetics (formerly Invitae), Labcorp
Classification: Uncertain significance for Familial hemophagocytic lymphohistiocytosis 2. Last evaluated: 2022-06-05. Review status: criteria provided, single submitter. Criteria: Invitae Variant Classification Sherloc (09022015). Collection method: clinical testing. Allele origin: germline.
Comment: This sequence change replaces histidine, which is basic and polar, with glutamine, which is neutral and polar, at codon 24 of the PRF1 protein (p.His24Gln). This variant is not present in population databases (gnomAD no frequency). This variant has not been reported in the literature in individuals affected with PRF1-related conditions. ClinVar contains an entry for this variant (Variation ID: 1400388). Algorithms developed to predict the effect of missense changes on protein structure and function (SIFT, PolyPhen-2, Align-GVGD) all suggest that this variant is likely to be tolerated. In summary, the available evidence is currently insufficient to determine the role of this variant in disease. Therefore, it has been classified as a Variant of Uncertain Significance.

NM_001083116.3(PRF1):c.72C>A (p.His24Gln)

Gene: PRF1 (perforin 1; minus strand). Cytogenetic location: 10q22.1.
Variant type: single nucleotide variant.
Coding change: c.72C>A on transcript NM_001083116.3 (MANE Select); coding-DNA position 72, C replaced by A.
Protein change: p.His24Gln; replaces histidine 24 with glutamine.
Molecular consequence: missense variant.
Genome position (GRCh38, 1-based): chr10:70,600,831, G>T on the plus strand (C>A on the coding strand, the complement: PRF1 is on the minus strand). VCF-style: chr10-70600831-G-T. GRCh37 (hg19) VCF-style: chr10-72360587-G-T.
Other names: c.72C>A, p.His24Gln (NM_005041.6); short protein forms H24Q.
Identifiers: ClinVar variation 1400388 (VCV001400388.3), dbSNP rs1848220444, ClinGen allele CA376960150.
Genomic context (GRCh38, chr10:70,600,831, plus strand): 5'-GGCCAGCCATGCACCAGGCACGAACTTGTGGCTGCGCTTGCACTCTGAGCGTGCGGCTGT[G>T]TGGCACGGGGCAGGGACGGGCAGGGGCAGCAGCAGGAGAAGGATGCCCAGGAGGAGCAGA-3'
Protein context (NP_001076585.1, residues 14-34): LLPLPVPAPC[His24Gln]TAARSECKRS